The following is an entry in ClinVar:

NM_058004.4(PI4KA):c.3033G>A (p.Leu1011=)

Gene: PI4KA (phosphatidylinositol 4-kinase alpha; minus strand). Cytogenetic location: 22q11.21.
Variant type: single nucleotide variant.
Coding change: c.3033G>A on transcript NM_058004.4 (MANE Select); coding-DNA position 3033, G replaced by A.
Protein change: p.Leu1011=; no amino-acid change (leucine 1011 retained).
Molecular consequence: synonymous variant.
Genome position (GRCh38, 1-based): chr22:20,751,710, C>T on the plus strand (G>A on the coding strand, the complement: PI4KA is on the minus strand). VCF-style: chr22-20751710-C-T. GRCh37 (hg19) VCF-style: chr22-21105998-C-T.
Other names: c.3033G>A, p.Leu1011= (NM_001362862.2); c.2967G>A, p.Leu989= (NM_001362863.2).
Identifiers: ClinVar variation 1293828 (VCV001293828.5), dbSNP rs11552980, ClinGen allele CA10115522.
Genomic context (GRCh38, chr22:20,751,710, plus strand): 5'-CCTAGGTCTCCTGGGGACACTCACAGCGCTCAGTGACAGTGACAGGGTCTGCAGGATGTC[C>T]AGCATGGTCTTCAGCACAGTCCCGCTCCAGAGCAAGTGGGGAAACCTGCACCAAGAGCCA-3'
Protein context (NP_477352.3, residues 1001-1021): LWSGTVLKTM[Leu1011=]DILQTLSLSL

ClinVar aggregate classification (germline): Benign. Review status: criteria provided, multiple submitters, no conflicts (2 of 4 stars). 3 submissions from 3 submitters: Benign (2). 1 of the submissions does not count toward it. Last evaluated 2018-07-09.

Conditions:
PI4KA-related disorder. Also called: PI4KA-related condition; PI4KA-related disorders. Identifiers: MedGen CN378147, MONDO:1040012.

Allele frequency attached by ClinVar (database versions not stated): ESP Exome Variant Server 0.01115; 1000 Genomes Project 0.01857; 1000 Genomes Project 30x 0.02014.
gnomAD v4.1: 15,554 of 1,614,092 alleles (0.96%); highest among the groups gnomAD compares: East Asian, 4.8%; 119 homozygotes.

Submissions (3):

GeneDx
Classification: Benign. Last evaluated: 2018-07-09. Review status: criteria provided, single submitter. Criteria: GeneDx Variant Classification Process June 2021. Collection method: clinical testing. Allele origin: germline. Affected: yes.

Breakthrough Genomics
Classification: Benign. Review status: criteria provided, single submitter. Criteria: ACMG Guidelines, 2015. Collection method: not provided. Allele origin: germline. Inheritance: Autosomal recessive inheritance. Affected: yes.

PreventionGenetics, part of Exact Sciences
Classification: Benign for PI4KA-related condition. Last evaluated: 2019-06-24. Review status: no assertion criteria provided. Collection method: clinical testing. Allele origin: germline. Not counted in ClinVar's aggregate classification.
Comment: This variant is classified as benign based on ACMG/AMP sequence variant interpretation guidelines (Richards et al. 2015 PMID: 25741868, with internal and published modifications).